The following is an entry in ClinVar:

NM_018714.3(COG1):c.2618C>T (p.Ser873Phe)

Gene: COG1 (component of oligomeric golgi complex 1; plus strand). Cytogenetic location: 17q25.1.
Variant type: single nucleotide variant.
Coding change: c.2618C>T on transcript NM_018714.3 (MANE Select); coding-DNA position 2618, C replaced by T.
Protein change: p.Ser873Phe; replaces serine 873 with phenylalanine.
Molecular consequence: missense variant.
Genome position (GRCh38, 1-based): chr17:73,206,261, C>T. VCF-style: chr17-73206261-C-T. GRCh37 (hg19) VCF-style: chr17-71202400-C-T.
Other names: short protein forms S873F.
Identifiers: ClinVar variation 2139606 (VCV002139606.4), dbSNP rs1298135305, ClinGen allele CA400896658.

ClinVar aggregate classification (germline): Uncertain significance (1 of 4 stars; one submission).

Conditions:
COG1 congenital disorder of glycosylation (CDG2G). Also called: CONGENITAL DISORDER OF GLYCOSYLATION, TYPE IIg; CDG IIg; CDGII/COG1 CEREBROCOSTOMANDIBULAR-LIKE SYNDROME. Identifiers: Orphanet 263508, MedGen C2931011, MONDO:0012637, OMIM 611209.

Allele frequency attached by ClinVar (database versions not stated): gnomAD exomes below 0.00001.
gnomAD v4.1: 2 of 1,613,160 alleles (0.00012%); highest among the groups gnomAD compares: Admixed American, 0.0033%; no homozygotes.

Submission:

Labcorp Genetics (formerly Invitae), Labcorp
Classification: Uncertain significance for COG1 congenital disorder of glycosylation. Last evaluated: 2022-01-26. Review status: criteria provided, single submitter. Criteria: Invitae Variant Classification Sherloc (09022015). Collection method: clinical testing. Allele origin: germline.
Comment: This variant has not been reported in the literature in individuals affected with COG1-related conditions. In summary, the available evidence is currently insufficient to determine the role of this variant in disease. Therefore, it has been classified as a Variant of Uncertain Significance. Algorithms developed to predict the effect of sequence changes on RNA splicing suggest that this variant may disrupt the consensus splice site. Algorithms developed to predict the effect of missense changes on protein structure and function are either unavailable or do not agree on the potential impact of this missense change (SIFT: "Deleterious"; PolyPhen-2: "Probably Damaging"; Align-GVGD: "Class C15"). This variant is present in population databases (no rsID available, gnomAD 0.006%). This sequence change replaces serine, which is neutral and polar, with phenylalanine, which is neutral and non-polar, at codon 873 of the COG1 protein (p.Ser873Phe).